The following is an entry in ClinVar:

NM_152383.5(DIS3L2):c.1034C>A (p.Ser345Tyr)

Gene: DIS3L2 (DIS3 like 3'-5' exoribonuclease 2; plus strand). Cytogenetic location: 2q37.1.
Variant type: single nucleotide variant.
Coding change: c.1034C>A on transcript NM_152383.5 (MANE Select); coding-DNA position 1034, C replaced by A.
Protein change: p.Ser345Tyr; replaces serine 345 with tyrosine.
Molecular consequence: missense variant. On other transcripts: non-coding transcript variant (2).
Genome position (GRCh38, 1-based): chr2:232,163,542, C>A. VCF-style: chr2-232163542-C-A. GRCh37 (hg19) VCF-style: chr2-233028252-C-A.
Other names: c.1034C>A, p.Ser345Tyr (NM_001257281.2); short protein forms S345Y.
Identifiers: ClinVar variation 2829876 (VCV002829876.3), dbSNP rs2469895642, ClinGen allele CA351154335.
Genomic context (GRCh38, chr2:232,163,542, plus strand): 5'-AGGCTGGTGAAATTGAGCCTGAAACAGAAGGAATACTAACAGAGTATGGCGTGGATTTCT[C>A]TGATTTCTCTTCAGAAGTTCTAGAATGTCTTCCTCAAGGCCTGCCATGGACAATTCCACC-3'
Protein context (NP_689596.4, residues 335-355): GILTEYGVDF[Ser345Tyr]DFSSEVLECL

ClinVar aggregate classification (germline): Uncertain significance (1 of 4 stars; one submission).

Conditions:
Perlman syndrome (PRLMNS). Identifiers: Orphanet 2849, MedGen C0796113, MONDO:0009965, OMIM 267000.

Submission:

Labcorp Genetics (formerly Invitae), Labcorp
Classification: Uncertain significance for Perlman syndrome. Last evaluated: 2023-08-28. Review status: criteria provided, single submitter. Criteria: Invitae Variant Classification Sherloc (09022015). Collection method: clinical testing. Allele origin: germline.
Comment: This variant is not present in population databases (gnomAD no frequency). In summary, the available evidence is currently insufficient to determine the role of this variant in disease. Therefore, it has been classified as a Variant of Uncertain Significance. An algorithm developed to predict the effect of missense changes on protein structure and function (PolyPhen-2) suggests that this variant is likely to be disruptive. This variant has not been reported in the literature in individuals affected with DIS3L2-related conditions. This sequence change replaces serine, which is neutral and polar, with tyrosine, which is neutral and polar, at codon 345 of the DIS3L2 protein (p.Ser345Tyr).